The following is an entry in ClinVar:

NM_015178.3(RHOBTB2):c.1323C>T (p.Asn441=)

Gene: RHOBTB2 (Rho related BTB domain containing 2; plus strand). Cytogenetic location: 8p21.3.
Variant type: single nucleotide variant.
Coding change: c.1323C>T on transcript NM_015178.3 (MANE Select); coding-DNA position 1323, C replaced by T.
Protein change: p.Asn441=; no amino-acid change (asparagine 441 retained).
Molecular consequence: synonymous variant.
Genome position (GRCh38, 1-based): chr8:23,007,568, C>T. VCF-style: chr8-23007568-C-T. GRCh37 (hg19) VCF-style: chr8-22865081-C-T.
Other names: c.1389C>T, p.Asn463= (NM_001160036.2); c.1344C>T, p.Asn448= (NM_001160037.2); c.1323C>T, p.Asn441= (NM_001374791.1).
Identifiers: ClinVar variation 755897 (VCV000755897.48), dbSNP rs143424949, ClinGen allele CA4672647.
Genomic context (GRCh38, chr8:23,007,568, plus strand): 5'-CCAGCCGGGGCCCTTCCGGGCTGTCCTCAAGTACCTGTACACGGGGGAGCTAGATGAGAA[C>T]GAGCGTGACCTCATGCACATTGCCCACATTGCTGAGCTGCTCGAGGTCTTTGATCTGCGC-3'
Protein context (NP_055993.2, residues 431-451): KYLYTGELDE[Asn441=]ERDLMHIAHI

ClinVar aggregate classification (germline): Likely benign. Review status: criteria provided, multiple submitters, no conflicts (2 of 4 stars). 3 submissions from 3 submitters: Likely benign (3). Last evaluated 2025-12-19.

Allele frequency attached by ClinVar (database versions not stated): ExAC 0.00029; gnomAD exomes 0.00031 and 0.00085; gnomAD 0.00044; TOPMed 0.00049; ESP Exome Variant Server 0.00062.
gnomAD v4.1: 1,324 of 1,614,020 alleles (0.082%); highest among the groups gnomAD compares: Non-Finnish European, 0.1%; 2 homozygotes.

Submissions (3):

Labcorp Genetics (formerly Invitae), Labcorp
Classification: Likely benign. Last evaluated: 2025-12-19. Review status: criteria provided, single submitter. Criteria: Invitae Variant Classification Sherloc (09022015). Collection method: clinical testing. Allele origin: germline.

Blueprint Genetics
Classification: Likely benign. Last evaluated: 2024-11-25. Review status: criteria provided, single submitter. Criteria: ACMG Guidelines, 2015. Collection method: clinical testing. Allele origin: germline.

CeGaT Center for Human Genetics Tuebingen
Classification: Likely benign. Last evaluated: 2024-11-01. Review status: criteria provided, single submitter. Criteria: CeGaT Center For Human Genetics Tuebingen Variant Classification Criteria Version 2. Collection method: clinical testing. Allele origin: germline. Affected: yes. Observed: 6 variant alleles.
Comment: RHOBTB2: BP4, BP7